The following is an entry in ClinVar:

ClinVar aggregate classification (germline): Uncertain significance (1 of 4 stars; one submission).

Conditions:
Hereditary cancer-predisposing syndrome. Also called: Tumor predisposition; Neoplastic Syndromes, Hereditary; Hereditary neoplastic syndrome; Hereditary Cancer Syndrome. Identifiers: Orphanet 140162, MedGen C0027672, MeSH D009386, MONDO:0015356.

Submission:

Ambry Genetics
Classification: Uncertain significance for Hereditary cancer-predisposing syndrome. Last evaluated: 2025-08-27. Review status: criteria provided, single submitter. Criteria: Ambry Variant Classification Scheme 2023. Collection method: clinical testing. Allele origin: germline.
Comment: The p.L431I variant (also known as c.1291C>A), located in coding exon 13 of the MUTYH gene, results from a C to A substitution at nucleotide position 1291. The leucine at codon 431 is replaced by isoleucine, an amino acid with highly similar properties. This amino acid position is conserved. In addition, this alteration is predicted to be tolerated by in silico analysis. Based on the available evidence, the clinical significance of this variant remains unclear.

NM_001048174.2(MUTYH):c.1207C>A (p.Leu403Ile)

Gene: MUTYH (mutY DNA glycosylase; minus strand). Cytogenetic location: 1p34.1.
Variant type: single nucleotide variant.
Coding change: c.1207C>A on transcript NM_001048174.2 (MANE Select); coding-DNA position 1207, C replaced by A.
Protein change: p.Leu403Ile; replaces leucine 403 with isoleucine.
Molecular consequence: missense variant. On other transcripts: non-coding transcript variant (7).
Genome position (GRCh38, 1-based): chr1:45,331,452, G>T on the plus strand (C>A on the coding strand, the complement: MUTYH is on the minus strand). VCF-style: chr1-45331452-G-T. GRCh37 (hg19) VCF-style: chr1-45797124-G-T.
Other names: c.931C>A, p.Leu311Ile (NM_001293192.2, NM_001293196.2, NM_001407091.1); c.1207C>A, p.Leu403Ile (NM_001293195.2, NM_001407070.1, NM_001407072.1 and 6 more transcripts); c.862C>A, p.Leu288Ile (NM_001350650.2, NM_001350651.2, NM_001407082.1); c.1240C>A, p.Leu414Ile (NM_001407069.1, NM_001293191.2, NM_001407077.1); c.1210C>A, p.Leu404Ile (NM_001407071.1, NM_001407086.1, NM_001048172.2 and 1 more transcripts); c.1228C>A, p.Leu410Ile (NM_001407087.1); c.1282C>A, p.Leu428Ile (NM_012222.3); c.1291C>A, p.Leu431Ile (NM_001128425.2); and 5 more; short protein forms L404I, L410I, L417I, L428I, L375I, L418I, L288I, L390I.
Identifiers: ClinVar variation 4113154 (VCV004113154.1).